The following is an entry in ClinVar:

NM_001080453.3(INTS1):c.5470A>G (p.Ser1824Gly)

Gene: INTS1 (integrator complex subunit 1; minus strand). Cytogenetic location: 7p22.3.
Variant type: single nucleotide variant.
Coding change: c.5470A>G on transcript NM_001080453.3 (MANE Select); coding-DNA position 5470, A replaced by G.
Protein change: p.Ser1824Gly; replaces serine 1824 with glycine.
Molecular consequence: missense variant.
Genome position (GRCh38, 1-based): chr7:1,475,980, T>C on the plus strand (A>G on the coding strand, the complement: INTS1 is on the minus strand). VCF-style: chr7-1475980-T-C. GRCh37 (hg19) VCF-style: chr7-1515616-T-C.
Other names: c.1987A>G, p.Ser663Gly (NM_015674.1); short protein forms S1824G, S663G.
Identifiers: ClinVar variation 2581706 (VCV002581706.2), dbSNP rs751490375, ClinGen allele CA4118425.
Genomic context (GRCh38, chr7:1,475,980, plus strand): 5'-GCGGGGAGCGGCAGAGTTGCGCCCTCACCTTGCAGACGCTGCTGCTGGCAGCCCCTTCGC[T>C]GTGCAGTAGGACCTCAGGCACGGGCACCCGCAGCTCCGGCCGCTGTAGGTAGAGCTGCAG-3'
Protein context (NP_001073922.2, residues 1814-1834): RVPVPEVLLH[Ser1824Gly]EGAASSSVCK

ClinVar aggregate classification (germline): Uncertain significance. Review status: criteria provided, multiple submitters, no conflicts (2 of 4 stars). 2 submissions from 2 submitters: Uncertain significance (2). Last evaluated 2025-08-19.

Conditions:
Inborn genetic diseases. Identifiers: MedGen C0950123, MeSH D030342.

Allele frequency attached by ClinVar (database versions not stated): gnomAD exomes 0.00002; TOPMed 0.00002; gnomAD 0.00005; ExAC 0.00007.
gnomAD v4.1: 33 of 1,544,624 alleles (0.0021%); highest among the groups gnomAD compares: Middle Eastern, 0.21%; 1 homozygote.

Submissions (2):

Ambry Genetics
Classification: Uncertain significance for Inborn genetic diseases. Last evaluated: 2025-08-19. Review status: criteria provided, single submitter. Criteria: Ambry Variant Classification Scheme 2023. Collection method: clinical testing. Allele origin: germline.

Women's Health and Genetics/Laboratory Corporation of America, LabCorp
Classification: Uncertain significance. Last evaluated: 2023-08-15. Review status: criteria provided, single submitter. Criteria: LabCorp Variant Classification Summary - May 2015. Collection method: clinical testing. Allele origin: germline.
Comment: Variant summary: INTS1 c.5470A>G (p.Ser1824Gly) results in a non-conservative amino acid change in the encoded protein sequence. Four of five in-silico tools predict a benign effect of the variant on protein function. The variant allele was found at a frequency of 1.4e-05 in 141302 control chromosomes. The available data on variant occurrences in the general population are insufficient to allow any conclusion about variant significance. To our knowledge, no occurrence of c.5470A>G in individuals affected with Neurodevelopmental Disorder With Cataracts, Poor Growth, And Dysmorphic Facies and no experimental evidence demonstrating its impact on protein function have been reported. No submitters have cited clinical-significance assessments for this variant to ClinVar after 2014. Based on the evidence outlined above, the variant was classified as uncertain significance.